The following is an entry in ClinVar:

NM_000245.4(MET):c.733T>C (p.Tyr245His)

Gene: MET (MET proto-oncogene, receptor tyrosine kinase; plus strand). Cytogenetic location: 7q31.2.
Variant type: single nucleotide variant.
Coding change: c.733T>C on transcript NM_000245.4 (MANE Select); coding-DNA position 733, T replaced by C.
Protein change: p.Tyr245His; replaces tyrosine 245 with histidine.
Molecular consequence: missense variant. On other transcripts: intron variant (1).
Genome position (GRCh38, 1-based): chr7:116,699,817, T>C. VCF-style: chr7-116699817-T-C. GRCh37 (hg19) VCF-style: chr7-116339871-T-C.
Other names: c.733T>C, p.Tyr245His (NM_001127500.3, NM_001324401.3); c.-91+27240T>C (NM_001324402.2); short protein forms Y245H.
Identifiers: ClinVar variation 2453375 (VCV002453375.6), dbSNP rs780411452, ClinGen allele CA4448020.

ClinVar aggregate classification (germline): Uncertain significance. Review status: criteria provided, multiple submitters, no conflicts (2 of 4 stars). 2 submissions from 2 submitters: Uncertain significance (2). Last evaluated 2025-06-10.

Conditions:
Hereditary cancer-predisposing syndrome. Also called: Neoplastic Syndromes, Hereditary; Tumor predisposition; Hereditary neoplastic syndrome; Hereditary Cancer Syndrome. Identifiers: Orphanet 140162, MedGen C0027672, MeSH D009386, MONDO:0015356.
Renal cell carcinoma. Identifiers: Orphanet 217071, MedGen C0007134, MeSH D002292, MONDO:0005086, HP:0005584.

Allele frequency attached by ClinVar (database versions not stated): TOPMed below 0.00001; ExAC 0.00001; gnomAD exomes 0.00001.
gnomAD v4.1: 12 of 1,614,146 alleles (0.00074%); highest among the groups gnomAD compares: Non-Finnish European, 0.001%; no homozygotes.

Submissions (2):

Ambry Genetics
Classification: Uncertain significance for Hereditary cancer-predisposing syndrome. Last evaluated: 2025-06-10. Review status: criteria provided, single submitter. Criteria: Ambry Variant Classification Scheme 2023. Collection method: clinical testing. Allele origin: germline.
Comment: The p.Y245H variant (also known as c.733T>C), located in coding exon 1 of the MET gene, results from a T to C substitution at nucleotide position 733. The tyrosine at codon 245 is replaced by histidine, an amino acid with similar properties. This amino acid position is highly conserved in available vertebrate species. In addition, the in silico prediction for this alteration is inconclusive. Based on the available evidence, the clinical significance of this variant remains unclear.

Labcorp Genetics (formerly Invitae), Labcorp
Classification: Uncertain significance for Renal cell carcinoma. Last evaluated: 2025-03-14. Review status: criteria provided, single submitter. Criteria: Invitae Variant Classification Sherloc (09022015). Collection method: clinical testing. Allele origin: germline.
Comment: This sequence change replaces tyrosine, which is neutral and polar, with histidine, which is basic and polar, at codon 245 of the MET protein (p.Tyr245His). This variant is present in population databases (rs780411452, gnomAD 0.0009%). This variant has not been reported in the literature in individuals affected with MET-related conditions. ClinVar contains an entry for this variant (Variation ID: 2453375). Invitae Evidence Modeling of protein sequence and biophysical properties (such as structural, functional, and spatial information, amino acid conservation, physicochemical variation, residue mobility, and thermodynamic stability) indicates that this missense variant is not expected to disrupt MET protein function with a negative predictive value of 80%. In summary, the available evidence is currently insufficient to determine the role of this variant in disease. Therefore, it has been classified as a Variant of Uncertain Significance.